The following is an entry in ClinVar:

ClinVar aggregate classification (germline): Uncertain significance (1 of 4 stars; one submission).

Conditions:
Brachyolmia-amelogenesis imperfecta syndrome. Also called: Tooth agenesis, selective, 6; Dental anomalies and short stature; PLATYSPONDYLY WITH AMELOGENESIS IMPERFECTA. Identifiers: Orphanet 2899, MedGen C1832594, MONDO:0011018, OMIM 601216. Disease mechanism: loss of function.

Submission:

Labcorp Genetics (formerly Invitae), Labcorp
Classification: Uncertain significance for Brachyolmia-amelogenesis imperfecta syndrome. Last evaluated: 2020-08-25. Review status: criteria provided, single submitter. Criteria: Invitae Variant Classification Sherloc (09022015). Collection method: clinical testing. Allele origin: germline.
Comment: This sequence change replaces serine with proline at codon 847 of the LTBP3 protein (p.Ser847Pro). The serine residue is highly conserved and there is a moderate physicochemical difference between serine and proline. This variant is not present in population databases (ExAC no frequency). This variant has not been reported in the literature in individuals with LTBP3-related conditions. Algorithms developed to predict the effect of missense changes on protein structure and function are either unavailable or do not agree on the potential impact of this missense change (SIFT: "Deleterious"; PolyPhen-2: "Probably Damaging"; Align-GVGD: "Class C0"). In summary, the available evidence is currently insufficient to determine the role of this variant in disease. Therefore, it has been classified as a Variant of Uncertain Significance.

NM_001130144.3(LTBP3):c.2539T>C (p.Ser847Pro)

Gene: LTBP3 (latent transforming growth factor beta binding protein 3; minus strand). Cytogenetic location: 11q13.1.
Variant type: single nucleotide variant.
Coding change: c.2539T>C on transcript NM_001130144.3 (MANE Select); coding-DNA position 2539, T replaced by C.
Protein change: p.Ser847Pro; replaces serine 847 with proline.
Molecular consequence: missense variant.
Genome position (GRCh38, 1-based): chr11:65,543,162, A>G on the plus strand (T>C on the coding strand, the complement: LTBP3 is on the minus strand). VCF-style: chr11-65543162-A-G. GRCh37 (hg19) VCF-style: chr11-65310633-A-G.
Other names: c.2188T>C, p.Ser730Pro (NM_001164266.1); c.2539T>C, p.Ser847Pro (NM_021070.4); short protein forms S730P, S847P.
Identifiers: ClinVar variation 1007624 (VCV001007624.9), dbSNP rs1856228372, ClinGen allele CA381269034.
Genomic context (GRCh38, chr11:65,543,162, plus strand): 5'-TACCTTGGCATTTCCTGCCACCCACCAGCCGATGCCCCTGGGGGCAAAGACATCTGTAGG[A>G]GCCATTGGTATTGATGCAGTCACCCCCAATGCAGGCTGCAGGGAAGTCACACTCATCAAT-3'
Protein context (NP_001123616.1, residues 837-857): IGGDCINTNG[Ser847Pro]YRCLCPQGHR